The following is an entry in ClinVar:

ClinVar aggregate classification (germline): Uncertain significance (1 of 4 stars; one submission).

Allele frequency attached by ClinVar (database versions not stated): gnomAD exomes below 0.00001.
gnomAD v4.1: 1 of 1,614,080 alleles (0.000062%); highest among the groups gnomAD compares: South Asian, 0.0011%; no homozygotes.

Submission:

Labcorp Genetics (formerly Invitae), Labcorp
Classification: Uncertain significance. Last evaluated: 2022-06-12. Review status: criteria provided, single submitter. Criteria: Invitae Variant Classification Sherloc (09022015). Collection method: clinical testing. Allele origin: germline.
Comment: In summary, the available evidence is currently insufficient to determine the role of this variant in disease. Therefore, it has been classified as a Variant of Uncertain Significance. Algorithms developed to predict the effect of missense changes on protein structure and function are either unavailable or do not agree on the potential impact of this missense change (SIFT: "Tolerated"; PolyPhen-2: "Probably Damaging"; Align-GVGD: "Class C0"). This variant has not been reported in the literature in individuals affected with ERBB2-related conditions. This variant is not present in population databases (gnomAD no frequency). This sequence change replaces tyrosine, which is neutral and polar, with histidine, which is basic and polar, at codon 1221 of the ERBB2 protein (p.Tyr1221His).

NM_004448.4(ERBB2):c.3661T>C (p.Tyr1221His)

Gene: ERBB2 (erb-b2 receptor tyrosine kinase 2; plus strand). Cytogenetic location: 17q12.
Variant type: single nucleotide variant.
Coding change: c.3661T>C on transcript NM_004448.4 (MANE Select); coding-DNA position 3661, T replaced by C.
Protein change: p.Tyr1221His; replaces tyrosine 1221 with histidine.
Molecular consequence: missense variant. On other transcripts: 3 prime UTR variant (2), non-coding transcript variant (1).
Genome position (GRCh38, 1-based): chr17:39,727,937, T>C. VCF-style: chr17-39727937-T-C. GRCh37 (hg19) VCF-style: chr17-37884190-T-C.
Other names: c.3571T>C, p.Tyr1191His (NM_001005862.3, NM_001382782.1, NM_001382783.1); c.3616T>C, p.Tyr1206His (NM_001289936.2); c.*240T>C (NM_001289937.2, NM_001382803.1); c.3778T>C, p.Tyr1260His (NM_001382784.1); c.3763T>C, p.Tyr1255His (NM_001382785.1); c.3742T>C, p.Tyr1248His (NM_001382786.1); c.3736T>C, p.Tyr1246His (NM_001382787.1); c.3691T>C, p.Tyr1231His (NM_001382788.1); and 16 more; short protein forms Y1159H, Y1169H, Y1191H, Y1192H, Y1228H, Y1260H, Y1161H, Y1188H.
Identifiers: ClinVar variation 1917510 (VCV001917510.5), dbSNP rs2143312859, ClinGen allele CA399314346.
Genomic context (GRCh38, chr17:39,727,937, plus strand): 5'-GGAGGAGCTGCCCCTCAGCCCCACCCTCCTCCTGCCTTCAGCCCAGCCTTCGACAACCTC[T>C]ATTACTGGGACCAGGACCCACCAGAGCGGGGGGCTCCACCCAGCACCTTCAAAGGGACAC-3'
Protein context (NP_004439.2, residues 1211-1231): PAFSPAFDNL[Tyr1221His]YWDQDPPERG